The following is an entry in ClinVar:

NM_170675.5(MEIS2):c.965A>T (p.Gln322Leu)

Gene: MEIS2 (Meis homeobox 2; minus strand). Cytogenetic location: 15q14.
Variant type: single nucleotide variant.
Coding change: c.965A>T on transcript NM_170675.5 (MANE Select); coding-DNA position 965, A replaced by T.
Protein change: p.Gln322Leu; replaces glutamine 322 with leucine.
Molecular consequence: missense variant.
Genome position (GRCh38, 1-based): chr15:36,950,336, T>A on the plus strand (A>T on the coding strand, the complement: MEIS2 is on the minus strand). VCF-style: chr15-36950336-T-A. GRCh37 (hg19) VCF-style: chr15-37242537-T-A.
Other names: c.965A>T, p.Gln322Leu (NM_001220482.2, NM_170674.5, NM_170676.5 and 1 more transcripts); c.926A>T, p.Gln309Leu (NM_002399.4, NM_172315.3); c.701A>T, p.Gln234Leu (NM_172316.3); short protein forms Q309L, Q322L, Q234L.
Identifiers: ClinVar variation 423971 (VCV000423971.2), dbSNP rs1064796723, ClinGen allele CA16619920.

ClinVar aggregate classification (germline): Likely pathogenic (1 of 4 stars; one submission).

Submission:

GeneDx
Classification: Likely pathogenic. Last evaluated: 2017-08-03. Review status: criteria provided, single submitter. Criteria: GeneDx Variant Classification (06012015). Collection method: clinical testing. Allele origin: germline. Affected: yes.
Comment: The Q322L variant in the MEIS2 gene has not been reported previously as a pathogenic variant, nor as a benign variant, to our knowledge. The Q322L variant is not observed in large population cohorts (Lek et al., 2016; 1000 Genomes Consortium et al., 2015; Exome Variant Server). The Q322L variant is a non-conservative amino acid substitution, which is likely to impact secondary protein structure as these residues differ in polarity, charge, size and/or other properties. This substitution occurs at a position that is conserved across species. In silico analysis predicts this variant is probably damaging to the protein structure/function. The Q322L variant is a strong candidate for a pathogenic variant